The following is an entry in ClinVar:

ClinVar aggregate classification (germline): Uncertain significance (1 of 4 stars; one submission).

gnomAD v4.1: 4 of 1,610,580 alleles (0.00025%); highest among the groups gnomAD compares: Non-Finnish European, 0.00034%; no homozygotes.

Submission:

Labcorp Genetics (formerly Invitae), Labcorp
Classification: Uncertain significance. Last evaluated: 2025-06-04. Review status: criteria provided, single submitter. Criteria: Invitae Variant Classification Sherloc (09022015). Collection method: clinical testing. Allele origin: germline.
Comment: This sequence change replaces proline, which is neutral and non-polar, with serine, which is neutral and polar, at codon 1869 of the DCHS1 protein (p.Pro1869Ser). This variant is present in population databases (rs139005467, gnomAD 0.0009%). This variant has not been reported in the literature in individuals affected with DCHS1-related conditions. Invitae Evidence Modeling of protein sequence and biophysical properties (such as structural, functional, and spatial information, amino acid conservation, physicochemical variation, residue mobility, and thermodynamic stability) has been performed for this missense variant. However, the output from this modeling did not meet the statistical confidence thresholds required to predict the impact of this variant on DCHS1 protein function. In summary, the available evidence is currently insufficient to determine the role of this variant in disease. Therefore, it has been classified as a Variant of Uncertain Significance.

NM_003737.4(DCHS1):c.5605C>T (p.Pro1869Ser)

Gene: DCHS1 (dachsous cadherin-related 1; minus strand). Cytogenetic location: 11p15.4.
Variant type: single nucleotide variant.
Coding change: c.5605C>T on transcript NM_003737.4 (MANE Select); coding-DNA position 5605, C replaced by T.
Protein change: p.Pro1869Ser; replaces proline 1869 with serine.
Molecular consequence: missense variant.
Genome position (GRCh38, 1-based): chr11:6,627,434, G>A on the plus strand (C>T on the coding strand, the complement: DCHS1 is on the minus strand). VCF-style: chr11-6627434-G-A. GRCh37 (hg19) VCF-style: chr11-6648665-G-A.
Other names: short protein forms P1869S.
Identifiers: ClinVar variation 4692562 (VCV004692562.1).
Genomic context (GRCh38, chr11:6,627,434, plus strand): 5'-GGCCATTAGCTCCAGCATCAGGGTCATGAGCCTGTAGCTGCAGCAGCAGGGTCCCTGCAG[G>A]CACATCCTCCGGCACCTCCACCGAGTAGGCAGGCACAGGAAAGGCTGGAGCATGGTCATT-3'
Protein context (NP_003728.1, residues 1859-1879): AYSVEVPEDV[Pro1869Ser]AGTLLLQLQA